The following is an entry in ClinVar:

NM_001077653.2(TBX20):c.655-18C>T

Gene: TBX20 (T-box transcription factor 20; minus strand). Cytogenetic location: 7p14.2.
Variant type: single nucleotide variant.
Coding change: c.655-18C>T on transcript NM_001077653.2 (MANE Select); 18 bases into the intron before coding-DNA position 655, C replaced by T.
Molecular consequence: intron variant.
Genome position (GRCh38, 1-based): chr7:35,241,055, G>A on the plus strand (C>T on the coding strand, the complement: TBX20 is on the minus strand). VCF-style: chr7-35241055-G-A. GRCh37 (hg19) VCF-style: chr7-35280667-G-A.
Other names: c.655-18C>T (NM_001166220.1).
Identifiers: ClinVar variation 132831 (VCV000132831.4), dbSNP rs483353009, ClinGen allele CA156248.

ClinVar aggregate classification (germline): Likely benign. Review status: criteria provided, single submitter (1 of 4 stars). 2 submissions from 2 submitters: Likely benign (1). 1 of the submissions does not count toward it. Last evaluated 2024-08-10.

Conditions:
Atrial septal defect 4 (ASD4). Identifiers: Orphanet 1478, MedGen C1969657, MONDO:0012654, OMIM 611363.

Submissions (2):

Labcorp Genetics (formerly Invitae), Labcorp
Classification: Likely benign. Last evaluated: 2024-08-10. Review status: criteria provided, single submitter. Criteria: Invitae Variant Classification Sherloc (09022015). Collection method: clinical testing. Allele origin: germline.

Laboratory of Genomics, Instituto Nacional de Cardiología Ignacio Chávez
Classification: Uncertain significance for Atrial septal defect 4. Review status: no assertion criteria provided. Collection method: not provided. Allele origin: unknown. Not counted in ClinVar's aggregate classification.
ClinVar note: Converted during submission from unknown to Uncertain significance.